The following is an entry in ClinVar:

ClinVar aggregate classification (germline): Uncertain significance (1 of 4 stars; one submission).

Allele frequency attached by ClinVar (database versions not stated): gnomAD 0.00001; gnomAD exomes 0.00001; ExAC 0.00002; 1000 Genomes Project 30x 0.00016; 1000 Genomes Project 0.00020.
gnomAD v4.1: 7 of 1,613,420 alleles (0.00043%); highest among the groups gnomAD compares: East Asian, 0.013%; no homozygotes.

Submission:

Labcorp Genetics (formerly Invitae), Labcorp
Classification: Uncertain significance. Last evaluated: 2023-07-27. Review status: criteria provided, single submitter. Criteria: Invitae Variant Classification Sherloc (09022015). Collection method: clinical testing. Allele origin: germline.
Comment: This variant has not been reported in the literature in individuals affected with FN1-related conditions. In summary, the available evidence is currently insufficient to determine the role of this variant in disease. Therefore, it has been classified as a Variant of Uncertain Significance. Variants that disrupt the consensus splice site are a relatively common cause of aberrant splicing (PMID: 17576681, 9536098). Algorithms developed to predict the effect of sequence changes on RNA splicing suggest that this variant is not likely to affect RNA splicing. ClinVar contains an entry for this variant (Variation ID: 1895743). This variant is present in population databases (rs571770973, gnomAD 0.03%). This sequence change falls in intron 7 of the FN1 gene. It does not directly change the encoded amino acid sequence of the FN1 protein. It affects a nucleotide within the consensus splice site.

Literature cited by the submitters: PubMed 17576681; PubMed 9536098.

NM_212482.4(FN1):c.1036+5G>A

Gene: FN1 (fibronectin 1; minus strand). Cytogenetic location: 2q35.
Variant type: single nucleotide variant.
Coding change: c.1036+5G>A on transcript NM_212482.4 (MANE Select); 5 bases into the intron after coding-DNA position 1036, G replaced by A.
Molecular consequence: intron variant.
Genome position (GRCh38, 1-based): chr2:215,425,089, C>T on the plus strand (G>A on the coding strand, the complement: FN1 is on the minus strand). VCF-style: chr2-215425089-C-T. GRCh37 (hg19) VCF-style: chr2-216289812-C-T.
Other names: c.1036+5G>A (NM_212474.3, NM_001306132.2, NM_001365523.2 and 14 more transcripts).
Identifiers: ClinVar variation 1895743 (VCV001895743.5), dbSNP rs571770973, ClinGen allele CA2095407.
Genomic context (GRCh38, chr2:215,425,089, plus strand): 5'-GTATTGTCCTTCAAAAACTAAATAATAAAGTCATCAGTCCTATTCTTCAAAAAGATAATG[C>T]ATACCTGTCTCTTGGCAGCTGACTCCGTTGCCCAGGCACGTGCAAAGCATTTGCTTATTT-3'